The following is an entry in ClinVar:

ClinVar aggregate classification (germline): Uncertain significance (1 of 4 stars; one submission).

Conditions:
Cardiovascular phenotype. Identifiers: MedGen CN230736.

Submission:

Ambry Genetics
Classification: Uncertain significance for Cardiovascular phenotype. Last evaluated: 2026-07-04. Review status: criteria provided, single submitter. Criteria: Ambry Variant Classification Scheme 2023. Collection method: clinical testing. Allele origin: germline.
Comment: The p.P334S variant (also known as c.1000C>T), located in coding exon 1 of the ZNF469 gene, results from a C to T substitution at nucleotide position 1000. The proline at codon 334 is replaced by serine, an amino acid with similar properties. This amino acid position is conserved. In addition, this alteration is predicted to be tolerated by in silico analysis. Based on the available evidence, the clinical significance of this variant remains unclear.

NM_001367624.2(ZNF469):c.1000C>T (p.Pro334Ser)

Gene: ZNF469 (zinc finger protein 469; plus strand). Cytogenetic location: 16q24.2.
Variant type: single nucleotide variant.
Coding change: c.1000C>T on transcript NM_001367624.2 (MANE Select); coding-DNA position 1000, C replaced by T.
Protein change: p.Pro334Ser; replaces proline 334 with serine.
Molecular consequence: missense variant.
Genome position (GRCh38, 1-based): chr16:88,428,470, C>T. VCF-style: chr16-88428470-C-T. GRCh37 (hg19) VCF-style: chr16-88494878-C-T.
Other names: NM_001127464.1:c.1000C>T; short protein forms P334S.
Identifiers: ClinVar variation 5032191 (VCV005032191.1).
Genomic context (GRCh38, chr16:88,428,470, plus strand): 5'-CCGGAGGAGGCCGTGGGCACGGGCCCTGCCTACCCGCTGCCCACCCAGCCTGCGCCCTCA[C>T]CCCTGCCCTGCTACCAGGGCCAGCCAGGTGGCCTGAACCGCCACAGCGACCTCAGTGGTG-3'
Protein context (NP_001354553.1, residues 324-344): YPLPTQPAPS[Pro334Ser]LPCYQGQPGG